The following is an entry in ClinVar:

NM_001378030.1(CCDC78):c.197T>G (p.Val66Gly)

Gene: CCDC78 (coiled-coil domain containing 78; minus strand). Cytogenetic location: 16p13.3.
Variant type: single nucleotide variant.
Coding change: c.197T>G on transcript NM_001378030.1 (MANE Select); coding-DNA position 197, T replaced by G.
Protein change: p.Val66Gly; replaces valine 66 with glycine.
Molecular consequence: missense variant. On other transcripts: 5 prime UTR variant (1), non-coding transcript variant (5).
Genome position (GRCh38, 1-based): chr16:725,864, A>C on the plus strand (T>G on the coding strand, the complement: CCDC78 is on the minus strand). VCF-style: chr16-725864-A-C. GRCh37 (hg19) VCF-style: chr16-775864-A-C.
Other names: c.197T>G, p.Val66Gly (NM_001031737.3, NM_001378031.1); c.-89T>G (NM_001378033.1); short protein forms V66G.
Identifiers: ClinVar variation 2551293 (VCV002551293.5), dbSNP rs1242459869, ClinGen allele CA394104957.

ClinVar aggregate classification (germline): Uncertain significance. Review status: criteria provided, multiple submitters, no conflicts (2 of 4 stars). 2 submissions from 2 submitters: Uncertain significance (2). Last evaluated 2023-05-24.

Conditions:
Congenital myopathy with internal nuclei and atypical cores. Also called: Myopathy, centronuclear, 4. Identifiers: Orphanet 319160, MedGen C4707232, MONDO:0013890, OMIM 614807.
Inborn genetic diseases. Identifiers: MedGen C0950123, MeSH D030342.

Allele frequency attached by ClinVar (database versions not stated): TOPMed below 0.00001; gnomAD 0.00001; gnomAD exomes 0.00001.
gnomAD v4.1: 12 of 1,610,742 alleles (0.00074%); highest among the groups gnomAD compares: African/African-American, 0.0013%; no homozygotes.

Submissions (2):

Ambry Genetics
Classification: Uncertain significance for Inborn genetic diseases. Last evaluated: 2023-05-24. Review status: criteria provided, single submitter. Criteria: Ambry Variant Classification Scheme 2023. Collection method: clinical testing. Allele origin: germline.

Labcorp Genetics (formerly Invitae), Labcorp
Classification: Uncertain significance for Congenital myopathy with internal nuclei and atypical cores. Last evaluated: 2022-11-29. Review status: criteria provided, single submitter. Criteria: Invitae Variant Classification Sherloc (09022015). Collection method: clinical testing. Allele origin: germline.
Comment: This sequence change replaces valine, which is neutral and non-polar, with glycine, which is neutral and non-polar, at codon 66 of the CCDC78 protein (p.Val66Gly). This variant is present in population databases (no rsID available, gnomAD 0.01%). In summary, the available evidence is currently insufficient to determine the role of this variant in disease. Therefore, it has been classified as a Variant of Uncertain Significance. Advanced modeling of protein sequence and biophysical properties (such as structural, functional, and spatial information, amino acid conservation, physicochemical variation, residue mobility, and thermodynamic stability) performed at Invitae indicates that this missense variant is not expected to disrupt CCDC78 protein function. This variant has not been reported in the literature in individuals affected with CCDC78-related conditions.